The following is an entry in ClinVar:

NM_001160372.4(TRAPPC9):c.1234G>A (p.Ala412Thr)

Gene: TRAPPC9 (trafficking protein particle complex subunit 9; minus strand). Cytogenetic location: 8q24.3.
Variant type: single nucleotide variant.
Coding change: c.1234G>A on transcript NM_001160372.4 (MANE Select); coding-DNA position 1234, G replaced by A.
Protein change: p.Ala412Thr; replaces alanine 412 with threonine.
Molecular consequence: missense variant. On other transcripts: non-coding transcript variant (1).
Genome position (GRCh38, 1-based): chr8:140,371,081, C>T on the plus strand (G>A on the coding strand, the complement: TRAPPC9 is on the minus strand). VCF-style: chr8-140371081-C-T. GRCh37 (hg19) VCF-style: chr8-141381180-C-T.
Other names: c.1207G>A, p.Ala403Thr (NM_001321646.2); c.1255G>A, p.Ala419Thr (NM_001374682.1); c.1234G>A, p.Ala412Thr (NM_001374683.1, NM_001374684.1, NM_031466.8); short protein forms A403T, A412T, A419T.
Identifiers: ClinVar variation 1339618 (VCV001339618.2), dbSNP rs201836353, ClinGen allele CA372317007.
Genomic context (GRCh38, chr8:140,371,081, plus strand): 5'-GGAGTTTGTAGCAGGCCCTCCACCCAGGCTCCGCGATGCTTGGGGCCACGCACTGCATGG[C>T]GGCCACGCGCTTGAAGAACGCAGACTTGCGATGGAAGCCGATCAGCTCATAGAGCTCGGA-3'
Protein context (NP_001153844.1, residues 402-422): RKSAFFKRVA[Ala412Thr]MQCVAPSIAE

ClinVar aggregate classification (germline): Likely pathogenic (1 of 4 stars; one submission).

gnomAD v4.1: 2 of 1,614,204 alleles (0.00012%); highest among the groups gnomAD compares: Non-Finnish European, 0.00017%; no homozygotes.

Submission:

GeneDx
Classification: Likely pathogenic. Last evaluated: 2021-08-07. Review status: criteria provided, single submitter. Criteria: GeneDx Variant Classification Process June 2021. Collection method: clinical testing. Allele origin: germline. Affected: yes.
Comment: Not observed at significant frequency in large population cohorts (gnomAD); In silico analysis supports that this missense variant has a deleterious effect on protein structure/function; Has not been previously published as pathogenic or benign to our knowledge; This variant is associated with the following publications: (PMID: 27535533)